The following is an entry in ClinVar:

NM_001330360.2(POLA1):c.286G>A (p.Asp96Asn)

Gene: POLA1 (DNA polymerase alpha 1, catalytic subunit; plus strand). Cytogenetic location: Xp22.11.
Variant type: single nucleotide variant.
Coding change: c.286G>A on transcript NM_001330360.2 (MANE Select); coding-DNA position 286, G replaced by A.
Protein change: p.Asp96Asn; replaces aspartic acid 96 with asparagine.
Molecular consequence: missense variant. On other transcripts: non-coding transcript variant (2).
Genome position (GRCh38, 1-based): chrX:24,704,409, G>A. VCF-style: chrX-24704409-G-A. GRCh37 (hg19) VCF-style: chrX-24722526-G-A.
Other names: c.286G>A, p.Asp96Asn (NM_001378303.1); c.268G>A, p.Asp90Asn (NM_016937.4); short protein forms D96N, D90N.
Identifiers: ClinVar variation 2869320 (VCV002869320.3), dbSNP rs765435738, ClinGen allele CA10372741.

ClinVar aggregate classification (germline): Uncertain significance (1 of 4 stars; one submission).

Allele frequency attached by ClinVar (database versions not stated): ExAC 0.00001; gnomAD exomes 0.00001.
gnomAD v4.1: 9 of 1,203,057 alleles (0.00075%); highest among the groups gnomAD compares: Non-Finnish European, 0.00079%; no homozygotes.

Submission:

Labcorp Genetics (formerly Invitae), Labcorp
Classification: Uncertain significance. Last evaluated: 2023-04-15. Review status: criteria provided, single submitter. Criteria: Invitae Variant Classification Sherloc (09022015). Collection method: clinical testing. Allele origin: germline.
Comment: This variant has not been reported in the literature in individuals affected with POLA1-related conditions. This sequence change replaces aspartic acid, which is acidic and polar, with asparagine, which is neutral and polar, at codon 90 of the POLA1 protein (p.Asp90Asn). This variant is present in population databases (rs765435738, gnomAD 0.001%). Advanced modeling of protein sequence and biophysical properties (such as structural, functional, and spatial information, amino acid conservation, physicochemical variation, residue mobility, and thermodynamic stability) performed at Invitae indicates that this missense variant is not expected to disrupt POLA1 protein function. In summary, the available evidence is currently insufficient to determine the role of this variant in disease. Therefore, it has been classified as a Variant of Uncertain Significance.